The following is an entry in ClinVar:

NM_021167.5(GATAD1):c.323del (p.Lys108fs)

Gene: GATAD1 (GATA zinc finger domain containing 1; plus strand). Cytogenetic location: 7q21.2.
Variant type: Deletion.
Coding change: c.323del on transcript NM_021167.5 (MANE Select); coding-DNA position 323, one base deleted (A; older notation c.323delA).
Protein change: p.Lys108fs; shifts the reading frame from lysine 108.
Molecular consequence: frameshift variant. On other transcripts: non-coding transcript variant (1).
Genome position (GRCh38, 1-based): chr7:92,448,825, A deleted; the last of 4 consecutive A bases (chr7:92,448,822-92,448,825); deleting any one gives the same sequence. VCF-style (leftmost placement, unchanged base first): chr7-92448821-GA-G. GRCh37 (hg19) VCF-style: chr7-92078135-GA-G.
Other names: short protein forms K108fs.
Identifiers: ClinVar variation 4730570 (VCV004730570.1).
Genomic context (GRCh38, chr7:92,448,821, plus strand): 5'-GAAATTCACAGGAGGTCTGCTCGGCTCAGAAACACTAAATACAAATCTGCTCCGGCTGCT[GA>G]AAAGAAAGTCTCCACCAAAGGAAAAGGGAGAAGACATATATTTAAATTGAAAAATGTAAG-3'

ClinVar aggregate classification (germline): Uncertain significance (1 of 4 stars; one submission).

Conditions:
Dilated cardiomyopathy 2B. Identifiers: Orphanet 154, MedGen C3553409, MONDO:0013848, OMIM 614672.

Submission:

Labcorp Genetics (formerly Invitae), Labcorp
Classification: Uncertain significance for Dilated cardiomyopathy 2B. Last evaluated: 2026-01-10. Review status: criteria provided, single submitter. Criteria: Invitae Variant Classification Sherloc (09022015). Collection method: clinical testing. Allele origin: germline.
Comment: This sequence change creates a premature translational stop signal (p.Lys108Argfs*16) in the GATAD1 gene. It is expected to result in an absent or disrupted protein product. However, the current clinical and genetic evidence is not sufficient to establish whether loss-of-function variants in GATAD1 cause disease. This variant is not present in population databases (gnomAD no frequency). This variant has not been reported in the literature in individuals affected with GATAD1-related conditions. In summary, the available evidence is currently insufficient to determine the role of this variant in disease. Therefore, it has been classified as a Variant of Uncertain Significance.